The following is an entry in ClinVar:

NM_001353921.2(ARHGEF9):c.1540A>C (p.Asn514His)

Gene: ARHGEF9 (Cdc42 guanine nucleotide exchange factor 9; minus strand). Cytogenetic location: Xq11.1.
Variant type: single nucleotide variant.
Coding change: c.1540A>C on transcript NM_001353921.2 (MANE Select); coding-DNA position 1540, A replaced by C.
Protein change: p.Asn514His; replaces asparagine 514 with histidine.
Molecular consequence: missense variant. On other transcripts: 3 prime UTR variant (2).
Genome position (GRCh38, 1-based): chrX:63,638,060, T>G on the plus strand (A>C on the coding strand, the complement: ARHGEF9 is on the minus strand). VCF-style: chrX-63638060-T-G. GRCh37 (hg19) VCF-style: chrX-62857940-T-G.
Other names: c.1360A>C, p.Asn454His (NM_001173479.2); c.1213A>C, p.Asn405His (NM_001173480.2, NM_001369042.1); c.1456A>C, p.Asn486His (NM_001330495.2, NM_001369033.1, NM_001369034.1 and 4 more transcripts); c.1408A>C, p.Asn470His (NM_001353922.2); c.1558A>C, p.Asn520His (NM_001353923.1); c.1339A>C, p.Asn447His (NM_001353924.2, NM_001353926.2, NM_001369039.1 and 1 more transcripts); c.1324A>C, p.Asn442His (NM_001353927.2, NM_001369041.1); c.1387A>C, p.Asn463His (NM_001353928.2); and 3 more; short protein forms N507H, N325H, N442H, N454H, N405H, N463H, N486H, N514H.
Identifiers: ClinVar variation 451050 (VCV000451050.3), dbSNP rs1556300759, ClinGen allele CA413401004.

ClinVar aggregate classification (germline): Uncertain significance. Review status: criteria provided, multiple submitters, no conflicts (2 of 4 stars). 2 submissions from 2 submitters: Uncertain significance (2). Last evaluated 2019-07-16.

Conditions:
Developmental and epileptic encephalopathy, 8 (DEE8). Also called: HYPEREKPLEXIA AND EPILEPSY. Identifiers: Orphanet 163985, Orphanet 2076, MedGen C1845102, MONDO:0010375, OMIM 300607.

Submissions (2):

Labcorp Genetics (formerly Invitae), Labcorp
Classification: Uncertain significance for Early infantile epileptic encephalopathy 8. Last evaluated: 2019-07-16. Review status: criteria provided, single submitter. Criteria: Invitae Variant Classification Sherloc (09022015). Collection method: clinical testing. Allele origin: germline.
Comment: This sequence change replaces asparagine with histidine at codon 507 of the ARHGEF9 protein (p.Asn507His). The asparagine residue is highly conserved and there is a small physicochemical difference between asparagine and histidine. This variant is not present in population databases (ExAC no frequency). This variant has not been reported in the literature in individuals with ARHGEF9-related conditions. ClinVar contains an entry for this variant (Variation ID: 451050). Algorithms developed to predict the effect of missense changes on protein structure and function (SIFT, PolyPhen-2, Align-GVGD) all suggest that this variant is likely to be disruptive, but these predictions have not been confirmed by published functional studies and their clinical significance is uncertain. In summary, the available evidence is currently insufficient to determine the role of this variant in disease. Therefore, it has been classified as a Variant of Uncertain Significance.

GeneDx
Classification: Uncertain significance. Last evaluated: 2017-08-01. Review status: criteria provided, single submitter. Criteria: GeneDx Variant Classification (06012015). Collection method: clinical testing. Allele origin: germline. Affected: yes.
Comment: A variant of uncertain significance has been identified in the ARHGEF9 gene. The N507H variant has not been published as a pathogenic variant, nor has it been reported as a benign variant to our knowledge. The N507H variant is not observed in large population cohorts (Lek et al., 2016; 1000 Genomes Consortium et al., 2015; Exome Variant Server). The N507H variant is a semi-conservative amino acid substitution, which may impact secondary protein structure as these residues differ in some properties. This substitution occurs at a position that is conserved across species. In silico analysis is inconsistent in its predictions as to whether or not the variant is damaging to the protein structure/function. Therefore, based on the currently available information, it is unclear whether this variant is a pathogenic variant or a rare benign variant.